The following is an entry in ClinVar:

ClinVar aggregate classification (germline): Pathogenic (1 of 4 stars; one submission).

Conditions:
Methylcobalamin deficiency type cblG (HMAG). Also called: HOMOCYSTINURIA-MEGALOBLASTIC ANEMIA, cblG TYPE; HOMOCYSTINURIA-MEGALOBLASTIC ANEMIA DUE TO DEFECT IN COBALAMIN METABOLISM, cblG COMPLEMENTATION TYPE; Functional methionine synthase deficiency type cblG; HOMOCYSTINURIA-MEGALOBLASTIC ANEMIA, cblG COMPLEMENTATION TYPE. Identifiers: Orphanet 2170, Orphanet 622, MedGen C1855128, MONDO:0009609, OMIM 250940.

Submission:

Labcorp Genetics (formerly Invitae), Labcorp
Classification: Pathogenic for Methylcobalamin deficiency type cblG. Last evaluated: 2023-11-09. Review status: criteria provided, single submitter. Criteria: Invitae Variant Classification Sherloc (09022015). Collection method: clinical testing. Allele origin: germline.
Comment: This sequence change creates a premature translational stop signal (p.Ala205Glyfs*56) in the MTR gene. It is expected to result in an absent or disrupted protein product. Loss-of-function variants in MTR are known to be pathogenic (PMID: 9683607, 12068375). This variant is not present in population databases (gnomAD no frequency). This variant has not been reported in the literature in individuals affected with MTR-related conditions. For these reasons, this variant has been classified as Pathogenic.

Literature cited by the submitters: PubMed 9683607; PubMed 12068375.

NM_000254.3(MTR):c.610-1_613dup

Gene: MTR (5-methyltetrahydrofolate-homocysteine methyltransferase; plus strand). Cytogenetic location: 1q43.
Variant type: Duplication.
Coding change: c.610-1_613dup on transcript NM_000254.3 (MANE Select); the canonical splice acceptor site of the intron before coding-DNA position 610 through coding-DNA position 613, 5 bases duplicated (GGCAG; older notation c.610-1_613dupGGCAG).
Molecular consequence: splice acceptor variant.
Genome position (GRCh38, 1-based): chr1:236,815,603-236,815,607, GGCAG duplicated. VCF-style (leftmost placement, unchanged base first): chr1-236815602-A-AGGCAG. GRCh37 (hg19) VCF-style: chr1-236978902-A-AGGCAG.
Other names: c.610-1_613dup (NM_001291939.1, NM_001410942.1); c.-499-1_-496dup (NM_001291940.2).
Identifiers: ClinVar variation 2694577 (VCV002694577.3), dbSNP rs2527909396, ClinGen allele CA2697555042.